The following is an entry in ClinVar:

ClinVar aggregate classification (germline): Pathogenic. Review status: criteria provided, single submitter (1 of 4 stars). 2 submissions from 2 submitters: Pathogenic (1). 1 of the submissions does not count toward it. Last evaluated 2019-12-11.

Conditions:
Biotinidase deficiency. Also called: BTD deficiency; Late-onset biotin-responsive multiple carboxylase deficiency; Biotin deficiency. Identifiers: Orphanet 79241, MedGen C0220754, MONDO:0009665, OMIM 253260.

Allele frequency attached by ClinVar (database versions not stated): gnomAD exomes below 0.00001; ExAC 0.00001.
gnomAD v4.1: 2 of 1,614,128 alleles (0.00012%); highest among the groups gnomAD compares: Middle Eastern, 0.016%; no homozygotes.

Submissions (2):

Labcorp Genetics (formerly Invitae), Labcorp
Classification: Pathogenic for Biotinidase deficiency. Last evaluated: 2019-12-11. Review status: criteria provided, single submitter. Criteria: Invitae Variant Classification Sherloc (09022015). Collection method: clinical testing. Allele origin: germline.
Comment: For these reasons, this variant has been classified as Pathogenic. This variant disrupts the C-terminus of the BTD protein. Other variant(s) that disrupt this region (p.Leu498Phefs*13) have been determined to be pathogenic (PMID: 17382128, 29359854, 19728141). This suggests that variants that disrupt this region of the protein are likely to be causative of disease. This variant has not been reported in the literature in individuals with BTD-related conditions. ClinVar contains an entry for this variant (Variation ID: 550894). This variant is present in population databases (rs747548016, ExAC 0.002%). This sequence change results in a premature translational stop signal in the BTD gene (p.Leu362*). While this is not anticipated to result in nonsense mediated decay, it is expected to disrupt the last 182 amino acids of the BTD protein.

Counsyl
Classification: Likely pathogenic for Biotinidase deficiency. Last evaluated: 2017-02-28. Review status: no assertion criteria provided. Collection method: clinical testing. Allele origin: unknown. Not counted in ClinVar's aggregate classification.

Literature cited by the submitters: PubMed 17382128 (cited by Labcorp Genetics (formerly Invitae), Labcorp); PubMed 29359854 (cited by Labcorp Genetics (formerly Invitae), Labcorp); PubMed 19728141 (cited by Labcorp Genetics (formerly Invitae), Labcorp).

NM_001370658.1(BTD):c.1025T>A (p.Leu342Ter)

Gene: BTD (biotinidase; plus strand). Cytogenetic location: 3p25.1.
Variant type: single nucleotide variant.
Coding change: c.1025T>A on transcript NM_001370658.1 (MANE Select); coding-DNA position 1025, T replaced by A.
Protein change: p.Leu342Ter; replaces leucine 342 with a stop codon.
Molecular consequence: nonsense. On other transcripts: intron variant (8).
Genome position (GRCh38, 1-based): chr3:15,644,941, T>A. VCF-style: chr3-15644941-T-A. GRCh37 (hg19) VCF-style: chr3-15686448-T-A.
Other names: c.399+2884T>A (NM_001407399.1, NM_001370753.1, NM_001407400.1 and 3 more transcripts); c.1025T>A, p.Leu342Ter (NM_001281723.4, NM_001281724.3, NM_001281725.3 and 16 more transcripts); c.1015+10T>A (NM_001370752.1, NM_001407379.1); short protein forms L342*.
Identifiers: ClinVar variation 550894 (VCV000550894.13), dbSNP rs747548016, ClinGen allele CA2277419.